The following is an entry in ClinVar:

NM_080605.4(B3GALT6):c.*5C>G

Gene: B3GALT6 (beta-1,3-galactosyltransferase 6; plus strand). Cytogenetic location: 1p36.33.
Variant type: single nucleotide variant.
Coding change: c.*5C>G on transcript NM_080605.4 (MANE Select); 5 bases downstream of the stop codon, C replaced by G.
Molecular consequence: 3 prime UTR variant.
Genome position (GRCh38, 1-based): chr1:1,233,273, C>G. VCF-style: chr1-1233273-C-G. GRCh37 (hg19) VCF-style: chr1-1168653-C-G.
Identifiers: ClinVar variation 3030964 (VCV003030964.2), dbSNP rs1255661288, ClinGen allele CA520664635.

ClinVar aggregate classification (germline): Likely benign (0 of 4 stars; one submission).

Conditions:
B3GALT6-related disorder. Also called: B3GALT6-related condition.

Allele frequency attached by ClinVar (database versions not stated): TOPMed 0.00003; gnomAD 0.00005; gnomAD exomes 0.00005.

Submission:

PreventionGenetics, part of Exact Sciences
Classification: Likely benign for B3GALT6-related condition. Last evaluated: 2021-03-24. Review status: no assertion criteria provided. Collection method: clinical testing. Allele origin: germline.
Comment: This variant is classified as likely benign based on ACMG/AMP sequence variant interpretation guidelines (Richards et al. 2015 PMID: 25741868, with internal and published modifications).